The following is an entry in ClinVar:

NM_017852.5(NLRP2):c.1055T>G (p.Ile352Ser)

Gene: NLRP2 (NLR family pyrin domain containing 2; plus strand). Cytogenetic location: 19q13.42.
Variant type: single nucleotide variant.
Coding change: c.1055T>G on transcript NM_017852.5 (MANE Select); coding-DNA position 1055, T replaced by G.
Protein change: p.Ile352Ser; replaces isoleucine 352 with serine.
Molecular consequence: missense variant. On other transcripts: non-coding transcript variant (1).
Genome position (GRCh38, 1-based): chr19:54,982,753, T>G. VCF-style: chr19-54982753-T-G. GRCh37 (hg19) VCF-style: chr19-55494121-T-G.
Other names: c.1055T>G, p.Ile352Ser (NM_001174081.3); c.989T>G, p.Ile330Ser (NM_001174082.3); c.986T>G, p.Ile329Ser (NM_001174083.2); c.1046T>G, p.Ile349Ser (NM_001348003.2); c.1055T>G (NM_001174081.2); short protein forms I329S, I330S, I349S, I352S.
Identifiers: ClinVar variation 1675760 (VCV001675760.34), dbSNP rs147585490, ClinGen allele CA310103623.
Genomic context (GRCh38, chr19:54,982,753, plus strand): 5'-TGCTGGTCACCACGCGGCCCAGGGCCCTGAGGGACCTCCGGATCCTGGCGGAGGAGCCGA[T>G]CTACATAAGGGTGGAGGGCTTCCTGGAGGAGGACAGGAGGGCCTATTTCCTGAGACACTT-3'
Protein context (NP_060322.1, residues 342-362): RDLRILAEEP[Ile352Ser]YIRVEGFLEE

ClinVar aggregate classification (germline): Likely benign. Review status: criteria provided, single submitter (1 of 4 stars). 2 submissions from 2 submitters: Likely benign (1). 1 of the submissions does not count toward it. Last evaluated 2022-06-01.

Conditions:
NLRP2-related disorder. Also called: NLRP2-related condition.

Allele frequency attached by ClinVar (database versions not stated): 1000 Genomes Project 0.00100; ESP Exome Variant Server 0.00108; 1000 Genomes Project 30x 0.00109; ExAC 0.00120; TOPMed 0.00123; gnomAD exomes 0.00124; gnomAD 0.00140 and 0.00148.
gnomAD v4.1: 2,520 of 1,614,102 alleles (0.16%); highest among the groups gnomAD compares: Non-Finnish European, 0.19%; 4 homozygotes.

Submissions (2):

CeGaT Center for Human Genetics Tuebingen
Classification: Likely benign. Last evaluated: 2022-06-01. Review status: criteria provided, single submitter. Criteria: CeGaT Center For Human Genetics Tuebingen Variant Classification Criteria Version 2. Collection method: clinical testing. Allele origin: germline. Affected: yes. Observed: 2 variant alleles.
Comment: NLRP2: BP4, BS2

PreventionGenetics, part of Exact Sciences
Classification: Likely benign for NLRP2-related condition. Last evaluated: 2021-02-15. Review status: no assertion criteria provided. Collection method: clinical testing. Allele origin: germline. Not counted in ClinVar's aggregate classification.
Comment: This variant is classified as likely benign based on ACMG/AMP sequence variant interpretation guidelines (Richards et al. 2015 PMID: 25741868, with internal and published modifications).